The following is an entry in ClinVar:

NM_001079855.2(GYG2):c.614+325G>T

Gene: GYG2 (glycogenin 2; plus strand). Cytogenetic location: Xp22.33.
Variant type: single nucleotide variant.
Coding change: c.614+325G>T on transcript NM_001079855.2 (MANE Select); 325 bases into the intron after coding-DNA position 614, G replaced by T.
Molecular consequence: intron variant.
Genome position (GRCh38, 1-based): chrX:2,856,949, G>T. VCF-style: chrX-2856949-G-T. GRCh37 (hg19) VCF-style: chrX-2774990-G-T.
Other names: c.707+325G>T (NM_003918.3, NM_001184703.2); c.614+325G>T (NM_001184702.2); c.149+325G>T (NM_001184704.2).
Identifiers: ClinVar variation 669492 (VCV000669492.1), dbSNP rs7473759, ClinGen allele CA325967415.
Genomic context (GRCh38, chrX:2,856,949, plus strand): 5'-AGATCTCTATGTCTATCTATATAGATATATATCTGTCTATATAGTTATCTACCTATATAG[G>T]CCTAGACATCTGTTTATCTATCTATCTATCTATCTATCTATCTATCTATCTATCTATCTA-3'

ClinVar aggregate classification (germline): Benign (1 of 4 stars; one submission).

Allele frequency attached by ClinVar (database versions not stated): gnomAD 0.52004; TOPMed 0.53848; 1000 Genomes Project 30x 0.57149; 1000 Genomes Project 0.57298.

Submission:

GeneDx
Classification: Benign. Last evaluated: 2018-06-14. Review status: criteria provided, single submitter. Criteria: GeneDx Variant Classification (06012015). Collection method: clinical testing. Allele origin: germline. Affected: yes.
Comment: This variant is considered likely benign or benign based on one or more of the following criteria: it is a conservative change, it occurs at a poorly conserved position in the protein, it is predicted to be benign by multiple in silico algorithms, and/or has population frequency not consistent with disease.